The following is an entry in ClinVar:

NM_207391.3(RGS9BP):c.139G>T (p.Ala47Ser)

Gene: RGS9BP (regulator of G protein signaling 9 binding protein; plus strand). Cytogenetic location: 19q13.11.
Variant type: single nucleotide variant.
Coding change: c.139G>T on transcript NM_207391.3 (MANE Select); coding-DNA position 139, G replaced by T.
Protein change: p.Ala47Ser; replaces alanine 47 with serine.
Molecular consequence: missense variant.
Genome position (GRCh38, 1-based): chr19:32,676,402, G>T. VCF-style: chr19-32676402-G-T. GRCh37 (hg19) VCF-style: chr19-33167308-G-T.
Other names: short protein forms A47S.
Identifiers: ClinVar variation 2916253 (VCV002916253.3), dbSNP rs1404524341, ClinGen allele CA405185537.

ClinVar aggregate classification (germline): Uncertain significance (1 of 4 stars; one submission).

Allele frequency attached by ClinVar (database versions not stated): gnomAD exomes below 0.00001; gnomAD 0.00001; TOPMed 0.00001.
gnomAD v4.1: 6 of 1,607,774 alleles (0.00037%); highest among the groups gnomAD compares: African/African-American, 0.0013%; no homozygotes.

Submission:

Labcorp Genetics (formerly Invitae), Labcorp
Classification: Uncertain significance. Last evaluated: 2023-05-19. Review status: criteria provided, single submitter. Criteria: Invitae Variant Classification Sherloc (09022015). Collection method: clinical testing. Allele origin: germline.
Comment: In summary, the available evidence is currently insufficient to determine the role of this variant in disease. Therefore, it has been classified as a Variant of Uncertain Significance. An algorithm developed to predict the effect of missense changes on protein structure and function (PolyPhen-2) suggests that this variant is likely to be disruptive. This variant has not been reported in the literature in individuals affected with RGS9BP-related conditions. The frequency data for this variant in the population databases is considered unreliable, as metrics indicate poor data quality at this position in the gnomAD database. This sequence change replaces alanine, which is neutral and non-polar, with serine, which is neutral and polar, at codon 47 of the RGS9BP protein (p.Ala47Ser).